The following is an entry in ClinVar:

ClinVar aggregate classification (germline): Uncertain significance. Review status: criteria provided, multiple submitters, no conflicts (2 of 4 stars). 2 submissions from 2 submitters: Uncertain significance (2). Last evaluated 2024-07-30.

Submissions (2):

Centre of Medical Genetics, University Hospital Muenster
Classification: Uncertain significance. Last evaluated: 2024-07-30. Review status: criteria provided, single submitter. Criteria: ACMG Guidelines, 2015. Collection method: clinical testing. Allele origin: unknown. Affected: yes. Observed: 1 variant allele, 1 heterozygote.
Comment: ACMG categories: PM2,PP3

Women's Health and Genetics/Laboratory Corporation of America, LabCorp
Classification: Uncertain significance. Last evaluated: 2021-08-13. Review status: criteria provided, single submitter. Criteria: LabCorp Variant Classification Summary - May 2015. Collection method: clinical testing. Allele origin: germline.
Comment: Variant summary: CASR c.472G>A (p.Gly158Arg) results in a non-conservative amino acid change located in the Receptor, ligand binding region (IPR001828) of the encoded protein sequence. Five of five in-silico tools predict a damaging effect of the variant on protein function. The variant was absent in 250868 control chromosomes (gnomAD). The available data on variant occurrences in the general population are insufficient to allow any conclusion about variant significance. c.472G>A has been reported in the literature in one individual affected with Familial Hypocalciuric Hypercalcemia (Cole_2009). These data do not allow any conclusion about variant significance. To our knowledge, no experimental evidence demonstrating an impact on protein function has been reported. No clinical diagnostic laboratories have submitted clinical-significance assessments for this variant to ClinVar after 2014. Based on the evidence outlined above, the variant was classified as uncertain significance.

Literature cited by the submitters: PubMed 19179454 (cited by Women's Health and Genetics/Laboratory Corporation of America, LabCorp).

NM_000388.4(CASR):c.472G>A (p.Gly158Arg)

Gene: CASR (calcium sensing receptor; plus strand). Cytogenetic location: 3q21.1.
Variant type: single nucleotide variant.
Coding change: c.472G>A on transcript NM_000388.4 (MANE Select); coding-DNA position 472, G replaced by A.
Protein change: p.Gly158Arg; replaces glycine 158 with arginine.
Molecular consequence: missense variant.
Genome position (GRCh38, 1-based): chr3:122,257,367, G>A. VCF-style: chr3-122257367-G-A. GRCh37 (hg19) VCF-style: chr3-121976214-G-A.
Other names: c.472G>A, p.Gly158Arg (NM_001178065.2); short protein forms G158R.
Identifiers: ClinVar variation 1217244 (VCV001217244.3), dbSNP rs2107627885, ClinGen allele CA354362961.
Genomic context (GRCh38, chr3:122,257,367, plus strand): 5'-ACGATTGCTGTGGTGGGAGCAACTGGCTCAGGCGTCTCCACGGCAGTGGCAAATCTGCTG[G>A]GGCTCTTCTACATTCCCCAGGTACTCAAGCCTTCTCAGGCGGGGCACTGGGAGCAGGATC-3'
Protein context (NP_000379.3, residues 148-168): GVSTAVANLL[Gly158Arg]LFYIPQVSYA